The following is an entry in ClinVar:

ClinVar aggregate classification (germline): Uncertain significance (1 of 4 stars; one submission).

Submission:

Labcorp Genetics (formerly Invitae), Labcorp
Classification: Uncertain significance. Last evaluated: 2024-02-15. Review status: criteria provided, single submitter. Criteria: Invitae Variant Classification Sherloc (09022015). Collection method: clinical testing. Allele origin: germline.
Comment: This sequence change affects a donor splice site in intron 10 of the GUCY2C gene. It is expected to disrupt RNA splicing. Variants that disrupt the donor or acceptor splice site typically lead to a loss of protein function (PMID: 16199547), however the current clinical and genetic evidence is not sufficient to establish whether loss-of-function variants in GUCY2C cause disease. This variant is not present in population databases (gnomAD no frequency). This variant has not been reported in the literature in individuals affected with GUCY2C-related conditions. ClinVar contains an entry for this variant (Variation ID: 1473566). Algorithms developed to predict the effect of sequence changes on RNA splicing suggest that this variant may disrupt the consensus splice site. In summary, the available evidence is currently insufficient to determine the role of this variant in disease. Therefore, it has been classified as a Variant of Uncertain Significance.

Literature cited by the submitters: PubMed 16199547.

NM_004963.4(GUCY2C):c.1282+2T>C

Genes: GUCY2C (guanylate cyclase 2C; minus strand), GUCY2C-AS1 (GUCY2C antisense RNA 1; plus strand). Cytogenetic location: 12p12.3.
Variant type: single nucleotide variant.
Coding change: c.1282+2T>C on transcript NM_004963.4 (MANE Select); the canonical splice donor site of the intron after coding-DNA position 1282, T replaced by C.
Molecular consequence: splice donor variant.
Genome position (GRCh38, 1-based): chr12:14,669,720, A>G on the plus strand (T>C on the coding strand, the complement: GUCY2C is on the minus strand). VCF-style: chr12-14669720-A-G. GRCh37 (hg19) VCF-style: chr12-14822654-A-G.
Identifiers: ClinVar variation 1473566 (VCV001473566.8), dbSNP rs2137068487, ClinGen allele CA383997180.